The following is an entry in ClinVar:

ClinVar aggregate classification (germline): Conflicting classifications of pathogenicity. Review status: criteria provided, conflicting classifications (1 of 4 stars). 3 submissions from 3 submitters: Uncertain significance (2); Likely benign (1). Last evaluated 2025-12-04.

Conditions:
Familial ovarian cancer. Identifiers: MedGen C5679802, MONDO:0016248.
Hereditary cancer-predisposing syndrome. Also called: Hereditary neoplastic syndrome; Neoplastic Syndromes, Hereditary; Tumor predisposition; Hereditary Cancer Syndrome. Identifiers: Orphanet 140162, MedGen C0027672, MeSH D009386, MONDO:0015356.
Familial cancer of breast. Also called: Hereditary breast cancer; hereditary breast carcinoma; BREAST CANCER, FAMILIAL. Identifiers: Orphanet 227535, MedGen C0346153, MONDO:0016419, OMIM 114480. Disease mechanism: loss of function.
Fanconi anemia complementation group J. Also called: BRIP1-Related Fanconi Anemia. Identifiers: Orphanet 84, MedGen C1836860, MONDO:0012187, OMIM 609054.

Allele frequency attached by ClinVar (database versions not stated): TOPMed below 0.00001.
gnomAD v4.1: 2 of 1,613,694 alleles (0.00012%); highest among the groups gnomAD compares: Non-Finnish European, 0.000085%; no homozygotes.

Submissions (3):

Ambry Genetics
Classification: Likely benign for Hereditary cancer-predisposing syndrome. Last evaluated: 2025-12-04. Review status: criteria provided, single submitter. Criteria: Ambry Variant Classification Scheme 2023. Collection method: clinical testing. Allele origin: germline.

Department of Pathology and Laboratory Medicine, Sinai Health System
Classification: Uncertain significance for familial ovarian cancer. Last evaluated: 2024-12-30. Review status: criteria provided, single submitter. Criteria: ACMG Guidelines, 2015. Collection method: clinical testing. Allele origin: germline.

Labcorp Genetics (formerly Invitae), Labcorp
Classification: Uncertain significance for Familial cancer of breast; Fanconi anemia complementation group J. Last evaluated: 2022-10-03. Review status: criteria provided, single submitter. Criteria: Invitae Variant Classification Sherloc (09022015). Collection method: clinical testing. Allele origin: germline.
Comment: In summary, the available evidence is currently insufficient to determine the role of this variant in disease. Therefore, it has been classified as a Variant of Uncertain Significance. Advanced modeling of protein sequence and biophysical properties (such as structural, functional, and spatial information, amino acid conservation, physicochemical variation, residue mobility, and thermodynamic stability) performed at Invitae indicates that this missense variant is not expected to disrupt BRIP1 protein function. ClinVar contains an entry for this variant (Variation ID: 407806). This variant has not been reported in the literature in individuals affected with BRIP1-related conditions. This variant is not present in population databases (gnomAD no frequency). This sequence change replaces threonine, which is neutral and polar, with alanine, which is neutral and non-polar, at codon 167 of the BRIP1 protein (p.Thr167Ala).

NM_032043.3(BRIP1):c.499A>G (p.Thr167Ala)

Gene: BRIP1 (BRCA1 interacting DNA helicase 1; minus strand). Cytogenetic location: 17q23.2.
Variant type: single nucleotide variant.
Coding change: c.499A>G on transcript NM_032043.3 (MANE Select); coding-DNA position 499, A replaced by G.
Protein change: p.Thr167Ala; replaces threonine 167 with alanine.
Molecular consequence: missense variant.
Genome position (GRCh38, 1-based): chr17:61,849,137, T>C on the plus strand (A>G on the coding strand, the complement: BRIP1 is on the minus strand). VCF-style: chr17-61849137-T-C. GRCh37 (hg19) VCF-style: chr17-59926498-T-C.
Other names: short protein forms T167A.
Identifiers: ClinVar variation 407806 (VCV000407806.18), dbSNP rs1060501738, ClinGen allele CA16615545.